The following is an entry in ClinVar:

NM_006397.3(RNASEH2A):c.682T>C (p.Phe228Leu)

Gene: RNASEH2A (ribonuclease H2 subunit A; plus strand). Cytogenetic location: 19p13.13.
Variant type: single nucleotide variant.
Coding change: c.682T>C on transcript NM_006397.3 (MANE Select); coding-DNA position 682, T replaced by C.
Protein change: p.Phe228Leu; replaces phenylalanine 228 with leucine.
Molecular consequence: missense variant.
Genome position (GRCh38, 1-based): chr19:12,813,127, T>C. VCF-style: chr19-12813127-T-C. GRCh37 (hg19) VCF-style: chr19-12923941-T-C.
Other names: c.682T>C (NM_006397.2); short protein forms F228L.
Identifiers: ClinVar variation 1390941 (VCV001390941.6), dbSNP rs1220751647, ClinGen allele CA404269021.
Genomic context (GRCh38, chr19:12,813,127, plus strand): 5'-GCCCACCCTACCCCAGATCCCAAGACAAAAGCGTGGTTGAAGGAGCACGTGGAGCCTGTG[T>C]TCGGCTTCCCCCAGTTTGTCCGGTTCAGCTGGCGCACGGCCCAGACCATCCTGGAGAAAG-3'
Protein context (NP_006388.2, residues 218-238): AWLKEHVEPV[Phe228Leu]GFPQFVRFSW

ClinVar aggregate classification (germline): Uncertain significance. Review status: criteria provided, multiple submitters, no conflicts (2 of 4 stars). 2 submissions from 2 submitters: Uncertain significance (2). Last evaluated 2025-06-27.

Conditions:
Inborn genetic diseases. Identifiers: MedGen C0950123, MeSH D030342.
Aicardi-Goutieres syndrome 4. Identifiers: Orphanet 51, MedGen C1835912, MONDO:0012472, OMIM 610333.

Allele frequency attached by ClinVar (database versions not stated): gnomAD exomes below 0.00001; gnomAD 0.00001; TOPMed 0.00001.

Submissions (2):

Ambry Genetics
Classification: Uncertain significance for Inborn genetic diseases. Last evaluated: 2025-06-27. Review status: criteria provided, single submitter. Criteria: Ambry Variant Classification Scheme 2023. Collection method: clinical testing. Allele origin: germline.

Labcorp Genetics (formerly Invitae), Labcorp
Classification: Uncertain significance for Aicardi-Goutieres syndrome 4. Last evaluated: 2021-08-14. Review status: criteria provided, single submitter. Criteria: Invitae Variant Classification Sherloc (09022015). Collection method: clinical testing. Allele origin: germline.
Comment: This sequence change replaces phenylalanine with leucine at codon 228 of the RNASEH2A protein (p.Phe228Leu). The phenylalanine residue is highly conserved and there is a small physicochemical difference between phenylalanine and leucine. This variant is not present in population databases (ExAC no frequency). This variant has not been reported in the literature in individuals affected with RNASEH2A-related conditions. Algorithms developed to predict the effect of missense changes on protein structure and function are either unavailable or do not agree on the potential impact of this missense change (SIFT: "Tolerated"; PolyPhen-2: "Probably Damaging"; Align-GVGD: "Class C0"). In summary, the available evidence is currently insufficient to determine the role of this variant in disease. Therefore, it has been classified as a Variant of Uncertain Significance.